The following is an entry in ClinVar:

ClinVar aggregate classification (germline): Benign/Likely benign. Review status: criteria provided, multiple submitters, no conflicts (2 of 4 stars). 3 submissions from 3 submitters: Benign (1); Likely benign (2). Last evaluated 2024-05-21.

Conditions:
Hereditary cancer-predisposing syndrome. Also called: Neoplastic Syndromes, Hereditary; Tumor predisposition; Hereditary Cancer Syndrome; Hereditary neoplastic syndrome. Identifiers: Orphanet 140162, MedGen C0027672, MeSH D009386, MONDO:0015356.
Familial cancer of breast. Also called: Hereditary breast cancer; BREAST CANCER, FAMILIAL; hereditary breast carcinoma. Identifiers: Orphanet 227535, MedGen C0346153, MONDO:0016419, OMIM 114480. Disease mechanism: loss of function.
Ataxia-telangiectasia syndrome (AT). Also called: Cerebello-oculocutaneous telangiectasia; Immunodeficiency with ataxia telangiectasia; ATAXIA-TELANGIECTASIA, COMPLEMENTATION GROUP A; ATAXIA-TELANGIECTASIA, FRESNO VARIANT; Ataxia-telangiectasia; Ataxia-telangiectasia, complementation group D. Identifiers: Orphanet 100, MedGen C0004135, MONDO:0008840, OMIM 208900.

Allele frequency attached by ClinVar (database versions not stated): gnomAD exomes 0.00001.
gnomAD v4.1: 11 of 1,614,128 alleles (0.00068%); highest among the groups gnomAD compares: Non-Finnish European, 0.00085%; no homozygotes.

Submissions (3):

Myriad Genetics, Inc.
Classification: Benign for Familial cancer of breast. Last evaluated: 2024-05-21. Review status: criteria provided, single submitter. Criteria: Myriad Autosomal Dominant, Autosomal Recessive and X-Linked Classification Criteria (2023). Collection method: clinical testing. Allele origin: unknown.
Comment: This variant is considered benign. This variant is a silent/synonymous amino acid change and it is not expected to impact splicing.

Labcorp Genetics (formerly Invitae), Labcorp
Classification: Likely benign for Ataxia-telangiectasia syndrome. Last evaluated: 2023-12-12. Review status: criteria provided, single submitter. Criteria: Invitae Variant Classification Sherloc (09022015). Collection method: clinical testing. Allele origin: germline.

Ambry Genetics
Classification: Likely benign for Hereditary cancer-predisposing syndrome. Last evaluated: 2021-05-29. Review status: criteria provided, single submitter. Criteria: Ambry Variant Classification Scheme 2023. Collection method: clinical testing. Allele origin: germline.

NM_000051.4(ATM):c.4962A>G (p.Leu1654=)

Gene: ATM (ATM serine/threonine kinase; plus strand). Cytogenetic location: 11q22.3.
Variant type: single nucleotide variant.
Coding change: c.4962A>G on transcript NM_000051.4 (MANE Select); coding-DNA position 4962, A replaced by G.
Protein change: p.Leu1654=; no amino-acid change (leucine 1654 retained).
Molecular consequence: synonymous variant.
Genome position (GRCh38, 1-based): chr11:108,297,339, A>G. VCF-style: chr11-108297339-A-G. GRCh37 (hg19) VCF-style: chr11-108168066-A-G.
Other names: c.4962A>G, p.Leu1654= (NM_001351834.2).
Identifiers: ClinVar variation 1125710 (VCV001125710.12), dbSNP rs2135862796, ClinGen allele CA476674611.
Genomic context (GRCh38, chr11:108,297,339, plus strand): 5'-ATTTCTAGATAATCCGCAAGATGGGATTATGGTGAAACTAGTTGTCAATTTGTTGCAGTT[A>G]TCCAAGATGGCAATAAACCACACTGGTGAAAAAGAAGTTCTAGGTAAACTACAGTCATGC-3'
Protein context (NP_000042.3, residues 1644-1664): MVKLVVNLLQ[Leu1654=]SKMAINHTGE